The following is an entry in ClinVar:

ClinVar aggregate classification (germline): Uncertain significance (1 of 4 stars; one submission).

Allele frequency attached by ClinVar (database versions not stated): gnomAD exomes below 0.00001; ExAC 0.00001.
gnomAD v4.1: 3 of 1,610,592 alleles (0.00019%); highest among the groups gnomAD compares: South Asian, 0.0011%; no homozygotes.

Submission:

Labcorp Genetics (formerly Invitae), Labcorp
Classification: Uncertain significance. Last evaluated: 2024-10-03. Review status: criteria provided, single submitter. Criteria: Invitae Variant Classification Sherloc (09022015). Collection method: clinical testing. Allele origin: germline.
Comment: This sequence change replaces lysine, which is basic and polar, with glutamic acid, which is acidic and polar, at codon 188 of the PSMG2 protein (p.Lys188Glu). This variant is present in population databases (rs776256600, gnomAD 0.003%). This variant has not been reported in the literature in individuals affected with PSMG2-related conditions. ClinVar contains an entry for this variant (Variation ID: 2167823). An algorithm developed to predict the effect of missense changes on protein structure and function (PolyPhen-2) suggests that this variant is likely to be disruptive. In summary, the available evidence is currently insufficient to determine the role of this variant in disease. Therefore, it has been classified as a Variant of Uncertain Significance.

NM_020232.5(PSMG2):c.562A>G (p.Lys188Glu)

Gene: PSMG2 (proteasome assembly chaperone 2; plus strand). Cytogenetic location: 18p11.21.
Variant type: single nucleotide variant.
Coding change: c.562A>G on transcript NM_020232.5 (MANE Select); coding-DNA position 562, A replaced by G.
Protein change: p.Lys188Glu; replaces lysine 188 with glutamic acid.
Molecular consequence: missense variant.
Genome position (GRCh38, 1-based): chr18:12,720,664, A>G. VCF-style: chr18-12720664-A-G. GRCh37 (hg19) VCF-style: chr18-12720663-A-G.
Other names: c.469A>G, p.Lys157Glu (NM_147163.2); short protein forms K157E, K188E.
Identifiers: ClinVar variation 2167823 (VCV002167823.4), dbSNP rs776256600, ClinGen allele CA8898438.
Genomic context (GRCh38, chr18:12,720,664, plus strand): 5'-TGCATTCCTGAAATAGATGATTCCGAGTTTTGTATCCGCATTCCGGGAGGAGGTATCACA[A>G]AAACACTCTATGATGAAAGGTGAGTTTGTTTGCCTGTTCATTTGTTTCCCACTTTACTTA-3'
Protein context (NP_064617.2, residues 178-198): CIRIPGGGIT[Lys188Glu]TLYDESCSKE